The following is an entry in ClinVar:

NM_001267550.2(TTN):c.11311+1864G>A

Gene: TTN (titin; minus strand). Cytogenetic location: 2q31.2.
Variant type: single nucleotide variant.
Coding change: c.11311+1864G>A on transcript NM_001267550.2 (MANE Select); 1864 bases into the intron after coding-DNA position 11311, G replaced by A.
Molecular consequence: intron variant. On other transcripts: missense variant (1).
Genome position (GRCh38, 1-based): chr2:178,751,260, C>T on the plus strand (G>A on the coding strand, the complement: TTN is on the minus strand). VCF-style: chr2-178751260-C-T. GRCh37 (hg19) VCF-style: chr2-179615987-C-T.
Other names: c.11140G>A, p.Glu3714Lys (NM_133379.5); c.10222+1864G>A (NM_003319.4); c.10798+1864G>A (NM_133437.4); c.10597+1864G>A (NM_133432.3); c.10360+1864G>A (NM_133378.4, NM_001256850.1); short protein forms E3714K.
Identifiers: ClinVar variation 4988902 (VCV004988902.1).

ClinVar aggregate classification (germline): Uncertain significance (1 of 4 stars; one submission).

Conditions:
TTN-related disorder. Also called: TTN-related disorders; TTN-related condition; TTN-related disease.

gnomAD v4.1: 18 of 1,608,632 alleles (0.0011%); highest among the groups gnomAD compares: African/African-American, 0.016%; no homozygotes.

Submission:

PreventionGenetics, part of Exact Sciences
Classification: Uncertain significance for TTN-related condition. Last evaluated: 2025-08-14. Review status: criteria provided, single submitter. Criteria: ACMG Guidelines, 2015. Collection method: clinical testing. Allele origin: germline.
Comment: The TTN c.11311+1864G>A variant is predicted to interfere with splicing. This variant is also referred to as c.11140G>A (p.Glu3714Lys) in the Novex-3 transcript NM_133379. This variant is located in exon 46 of the Novex-3 transcript (minor small cardiac isoform) which is the last exon of this transcript. This exon is not included in any other TTN transcripts (principle cardiac or skeletal muscle isoforms). To our knowledge, this variant has not been reported in the literature. This variant is reported in 0.024% of alleles in individuals of African descent in gnomAD. At this time, the clinical significance of this variant is uncertain due to the absence of conclusive functional and genetic evidence.